The following is an entry in ClinVar:

NM_032737.4(LMNB2):c.1687G>A (p.Val563Ile)

Gene: LMNB2 (lamin B2; minus strand). Cytogenetic location: 19p13.3.
Variant type: single nucleotide variant.
Coding change: c.1687G>A on transcript NM_032737.4 (MANE Select); coding-DNA position 1687, G replaced by A.
Protein change: p.Val563Ile; replaces valine 563 with isoleucine.
Molecular consequence: missense variant.
Genome position (GRCh38, 1-based): chr19:2,431,806, C>T on the plus strand (G>A on the coding strand, the complement: LMNB2 is on the minus strand). VCF-style: chr19-2431806-C-T. GRCh37 (hg19) VCF-style: chr19-2431804-C-T.
Other names: c.1627G>A (NM_032737.2); short protein forms V563I.
Identifiers: ClinVar variation 1024614 (VCV001024614.10), dbSNP rs201618968, ClinGen allele CA9067374.

ClinVar aggregate classification (germline): Uncertain significance. Review status: criteria provided, multiple submitters, no conflicts (2 of 4 stars). 2 submissions from 2 submitters: Uncertain significance (2). Last evaluated 2026-02-01.

Conditions:
Lipodystrophy, partial, acquired, susceptibility to (APLD). Also called: APLD, SUSCEPTIBILITY TO. Identifiers: MedGen C3887501, MONDO:0100476, OMIM 608709.
Progressive myoclonic epilepsy type 9. Identifiers: Orphanet 457265, MedGen C4225289, MONDO:0014685, OMIM 616540.

Allele frequency attached by ClinVar (database versions not stated): gnomAD 0.00003 and 0.00004; 1000 Genomes Project 0.00020; 1000 Genomes Project 30x 0.00031; gnomAD exomes 0.00001 and 0.00003; ExAC 0.00001; TOPMed 0.00010.
gnomAD v4.1: 47 of 1,613,868 alleles (0.0029%); highest among the groups gnomAD compares: Admixed American, 0.015%; no homozygotes.

Submissions (2):

Labcorp Genetics (formerly Invitae), Labcorp
Classification: Uncertain significance for Progressive myoclonic epilepsy type 9; Lipodystrophy, partial, acquired, susceptibility to. Last evaluated: 2026-02-01. Review status: criteria provided, single submitter. Criteria: Invitae Variant Classification Sherloc (09022015). Collection method: clinical testing. Allele origin: germline.
Comment: This sequence change replaces valine, which is neutral and non-polar, with isoleucine, which is neutral and non-polar, at codon 563 of the LMNB2 protein (p.Val563Ile). This variant is present in population databases (rs201618968, gnomAD 0.006%). This variant has not been reported in the literature in individuals affected with LMNB2-related conditions. ClinVar contains an entry for this variant (Variation ID: 1024614). Invitae Evidence Modeling of protein sequence and biophysical properties (such as structural, functional, and spatial information, amino acid conservation, physicochemical variation, residue mobility, and thermodynamic stability) indicates that this missense variant is not expected to disrupt LMNB2 protein function with a negative predictive value of 80%. In summary, the available evidence is currently insufficient to determine the role of this variant in disease. Therefore, it has been classified as a Variant of Uncertain Significance.

Ambry Genetics
Classification: Uncertain significance. Last evaluated: 2024-04-09. Review status: criteria provided, single submitter. Criteria: Ambry Variant Classification Scheme 2023. Collection method: clinical testing. Allele origin: germline.